The following is an entry in ClinVar:

NM_001035.3(RYR2):c.4361A>G (p.Asp1454Gly)

Gene: RYR2 (ryanodine receptor 2; plus strand). Cytogenetic location: 1q43.
Variant type: single nucleotide variant.
Coding change: c.4361A>G on transcript NM_001035.3 (MANE Select); coding-DNA position 4361, A replaced by G.
Protein change: p.Asp1454Gly; replaces aspartic acid 1454 with glycine.
Molecular consequence: missense variant.
Genome position (GRCh38, 1-based): chr1:237,593,561, A>G. VCF-style: chr1-237593561-A-G. GRCh37 (hg19) VCF-style: chr1-237756861-A-G.
Other names: p.D1454G:GAC>GGC; c.4361A>G, p.Asp1454Gly (LRG_402t1); short protein forms D1454G.
Identifiers: ClinVar variation 201245 (VCV000201245.22), dbSNP rs752212017, ClinGen allele CA009521.
Genomic context (GRCh38, chr1:237,593,561, plus strand): 5'-CTGGACAAGAACCTGCTAATGTCTGGGTGGGCTGGATTACATCAGATTTCCATCAGTATG[A>G]CACAGGCTTTGACTTGGACAGAGTTCGCACAGTAACAGTTACTCTAGGAGATGAAAAAGG-3'
Protein context (NP_001026.2, residues 1444-1464): GWITSDFHQY[Asp1454Gly]TGFDLDRVRT

ClinVar aggregate classification (germline): Uncertain significance. Review status: criteria provided, multiple submitters, no conflicts (2 of 4 stars). 6 submissions from 6 submitters: Uncertain significance (6). Last evaluated 2024-12-12.

Conditions:
Cardiovascular phenotype. Identifiers: MedGen CN230736.
Cardiomyopathy (CMYO). Also called: Cardiomyopathies. Identifiers: Orphanet 167848, MedGen C0878544, MONDO:0004994, HP:0001638. Inheritance: Various modes of inheritance.
Catecholaminergic polymorphic ventricular tachycardia 1. Also called: RYR2-Related Catecholaminergic Polymorphic Ventricular Tachycardia; VENTRICULAR TACHYCARDIA, CATECHOLAMINERGIC POLYMORPHIC, 1, WITH OR WITHOUT ATRIAL DYSFUNCTION AND/OR DILATED CARDIOMYOPATHY; VENTRICULAR TACHYCARDIA, STRESS-INDUCED POLYMORPHIC 1. Identifiers: Orphanet 3286, MedGen C1631597, MONDO:0011484, OMIM 604772.
Catecholaminergic polymorphic ventricular tachycardia (CVPT). Also called: Catecholamine-induced polymorphic ventricular tachycardia. Identifiers: Orphanet 3286, MedGen C5574922, MONDO:0017990.

Allele frequency attached by ClinVar (database versions not stated): gnomAD exomes below 0.00001; ExAC 0.00001; TOPMed 0.00003.
gnomAD v4.1: 2 of 1,613,992 alleles (0.00012%); highest among the groups gnomAD compares: Middle Eastern, 0.016%; no homozygotes.

Submissions (6):

Labcorp Genetics (formerly Invitae), Labcorp
Classification: Uncertain significance for Catecholaminergic polymorphic ventricular tachycardia 1. Last evaluated: 2024-12-12. Review status: criteria provided, single submitter. Criteria: Invitae Variant Classification Sherloc (09022015). Collection method: clinical testing. Allele origin: germline.
Comment: This sequence change replaces aspartic acid, which is acidic and polar, with glycine, which is neutral and non-polar, at codon 1454 of the RYR2 protein (p.Asp1454Gly). This variant is present in population databases (rs752212017, gnomAD 0.0009%). This variant has not been reported in the literature in individuals affected with RYR2-related conditions. ClinVar contains an entry for this variant (Variation ID: 201245). Invitae Evidence Modeling of protein sequence and biophysical properties (such as structural, functional, and spatial information, amino acid conservation, physicochemical variation, residue mobility, and thermodynamic stability) indicates that this missense variant is not expected to disrupt RYR2 protein function with a negative predictive value of 95%. In summary, the available evidence is currently insufficient to determine the role of this variant in disease. Therefore, it has been classified as a Variant of Uncertain Significance.

Color Diagnostics, LLC DBA Color Health
Classification: Uncertain significance for Cardiomyopathy. Last evaluated: 2024-03-06. Review status: criteria provided, single submitter. Criteria: ACMG Guidelines, 2015. Collection method: clinical testing. Allele origin: germline.
Comment: This missense variant replaces aspartic acid with glycine at codon 1454 of the RYR2 protein. Computational prediction is inconclusive regarding the impact of this variant on protein structure and function (internally defined REVEL score threshold 0.5 < inconclusive < 0.7, PMID: 27666373). To our knowledge, functional studies have not been reported for this variant. This variant has not been reported in individuals affected with cardiovascular disorders in the literature. This variant has been identified in 1/249002 chromosomes in the general population by the Genome Aggregation Database (gnomAD). The available evidence is insufficient to determine the role of this variant in disease conclusively. Therefore, this variant is classified as a Variant of Uncertain Significance.

All of Us Research Program, National Institutes of Health
Classification: Uncertain significance for Catecholaminergic polymorphic ventricular tachycardia. Last evaluated: 2023-12-01. Review status: criteria provided, single submitter. Criteria: ACMG Guidelines, 2015. Collection method: clinical testing. Allele origin: germline. Inheritance: Autosomal dominant inheritance. Observed: 2 variant alleles, 2 heterozygotes.
Comment: This missense variant replaces aspartic acid with glycine at codon 1454 of the RYR2 protein. Computational prediction is inconclusive regarding the impact of this variant on protein structure and function (internally defined REVEL score threshold 0.5 < inconclusive < 0.7, PMID: 27666373). Splice site prediction tools suggest that this variant may not impact RNA splicing. To our knowledge, functional studies have not been performed for this variant. This variant has not been reported in individuals affected with cardiovascular disorders in the literature. This variant has been identified in 1/249002 chromosomes in the general population by the Genome Aggregation Database (gnomAD). The available evidence is insufficient to determine the role of this variant in disease conclusively. Therefore, this variant is classified as a Variant of Uncertain Significance.

This study involves interpretation of variants in research participants for the purpose of population health screening. Participant phenotype was not available at the time of variant classification. Additional details can be found in publication PMID: 35346344, PMCID: PMC8962531

Ambry Genetics
Classification: Uncertain significance for Cardiovascular phenotype. Last evaluated: 2023-08-08. Review status: criteria provided, single submitter. Criteria: Ambry Variant Classification Scheme 2023. Collection method: clinical testing. Allele origin: germline.
Comment: The p.D1454G variant (also known as c.4361A>G), located in coding exon 33 of the RYR2 gene, results from an A to G substitution at nucleotide position 4361. The aspartic acid at codon 1454 is replaced by glycine, an amino acid with similar properties. This amino acid position is highly conserved in available vertebrate species. In addition, the in silico prediction for this alteration is inconclusive. Since supporting evidence is limited at this time, the clinical significance of this alteration remains unclear.

ARUP Laboratories, Molecular Genetics and Genomics, ARUP Laboratories
Classification: Uncertain significance. Last evaluated: 2018-07-25. Review status: criteria provided, single submitter. Criteria: ARUP Molecular Germline Variant Investigation Process. Collection method: clinical testing. Allele origin: germline.
Comment: The RYR2 c.4361A>G; p.Asp1454Gly variant (rs752212017), to our knowledge, is not reported in the medical literature or gene specific databases. This variant is reported as uncertain significance in ClinVar (Variation ID: 201245), and is absent from general population databases (1000 Genomes Project, Exome Variant Server, and Genome Aggregation Database), indicating it is not a common polymorphism. The aspartic acid at codon 1454 is highly conserved, but computational analyses (SIFT, PolyPhen-2) predict that this variant is tolerated. Due to limited information, the clinical significance of the c.4361A>G; p.Asp1454Gly variant is uncertain at this time.

GeneDx
Classification: Uncertain significance. Last evaluated: 2015-04-16. Review status: criteria provided, single submitter. Criteria: GeneDx Variant Classification (06012015). Collection method: clinical testing. Allele origin: germline. Affected: yes.
Comment: p.Asp1454Gly (GAC>GGC): c.4361 A>G in exon 33 of the RYR2 gene (NM_001035.2). The D1454G variant has not been published as a mutation, nor has it been reported as a benign polymorphism to our knowledge. The D1454G variant was not observed in approximately 6,000 individuals of European and African American ancestry in the NHLBI Exome Sequencing Project, indicating it is not a common benign variant in these populations. Additionally, the D1454G variant is a non-conservative amino acid substitution, which is likely to impact secondary protein structure as these residues differ in polarity, charge, size and/or other properties. This substitution also occurs at a position that is conserved across species. However, in silico analysis is inconsistent in its predictions as to whether or not the variant is damaging to the protein structure/function. Furthermore, missense mutations in nearby residues have not been reported, indicating this region of the protein may be tolerant of change. Therefore, based on the currently available information, it is unclear whether this variant is a pathogenic mutation or a rare benign variant. Approximately 50% of patients with autosomal dominant CPVT have been reported to have a mutation in the RYR2 gene, while mutations in the RYR2 gene associated with ARVC are rare (McNally E et al., 2009; Napolitano C et al., 2012). The variant is found in ARRHYTHMIA panel(s).